The following is an entry in ClinVar:

NM_001148.6(ANK2):c.3082A>G (p.Ser1028Gly)

Gene: ANK2 (ankyrin 2; plus strand). Cytogenetic location: 4q26.
Variant type: single nucleotide variant.
Coding change: c.3082A>G on transcript NM_001148.6 (MANE Select); coding-DNA position 3082, A replaced by G.
Protein change: p.Ser1028Gly; replaces serine 1028 with glycine.
Molecular consequence: missense variant.
Genome position (GRCh38, 1-based): chr4:113,330,427, A>G. VCF-style: chr4-113330427-A-G. GRCh37 (hg19) VCF-style: chr4-114251583-A-G.
Other names: p.S1028G:AGT>GGT; c.3055A>G, p.Ser1019Gly (NM_001127493.3); c.3094A>G, p.Ser1032Gly (NM_001354225.2); c.3082A>G, p.Ser1028Gly (NM_001354228.2, NM_001354258.2, NM_020977.5); c.3160A>G, p.Ser1054Gly (NM_001354230.2, NM_001354237.2); c.3124A>G, p.Ser1042Gly (NM_001354231.2, NM_001354242.2); c.3118A>G, p.Ser1040Gly (NM_001354232.2); c.3079A>G, p.Ser1027Gly (NM_001354235.2, NM_001354236.2, NM_001354246.2 and 1 more transcripts); and 24 more; short protein forms S1019G, S1028G, S1006G, S1007G, S1018G, S1032G, S1042G, S957G.
Identifiers: ClinVar variation 190563 (VCV000190563.10), dbSNP rs786205726, ClinGen allele CA300873.

ClinVar aggregate classification (germline): Uncertain significance. Review status: criteria provided, multiple submitters, no conflicts (2 of 4 stars). 3 submissions from 3 submitters: Uncertain significance (3). Last evaluated 2025-03-09.

Conditions:
Cardiovascular phenotype. Identifiers: MedGen CN230736.
Long QT syndrome (LQTS). Identifiers: MedGen C0023976, MeSH D008133, MONDO:0002442. Disease mechanism: loss of function. Inheritance: Various modes of inheritance.

Allele frequency attached by ClinVar (database versions not stated): gnomAD exomes below 0.00001; gnomAD 0.00001; TOPMed 0.00001.
gnomAD v4.1: 2 of 1,614,120 alleles (0.00012%); highest among the groups gnomAD compares: Admixed American, 0.0033%; no homozygotes.

Submissions (3):

Labcorp Genetics (formerly Invitae), Labcorp
Classification: Uncertain significance for Long QT syndrome. Last evaluated: 2025-03-09. Review status: criteria provided, single submitter. Criteria: Invitae Variant Classification Sherloc (09022015). Collection method: clinical testing. Allele origin: germline.
Comment: This sequence change replaces serine, which is neutral and polar, with glycine, which is neutral and non-polar, at codon 1028 of the ANK2 protein (p.Ser1028Gly). This variant is present in population databases (rs786205726, gnomAD 0.003%). This variant has not been reported in the literature in individuals affected with ANK2-related conditions. ClinVar contains an entry for this variant (Variation ID: 190563). Invitae Evidence Modeling of protein sequence and biophysical properties (such as structural, functional, and spatial information, amino acid conservation, physicochemical variation, residue mobility, and thermodynamic stability) indicates that this missense variant is not expected to disrupt ANK2 protein function with a negative predictive value of 80%. In summary, the available evidence is currently insufficient to determine the role of this variant in disease. Therefore, it has been classified as a Variant of Uncertain Significance.

Ambry Genetics
Classification: Uncertain significance for Cardiovascular phenotype. Last evaluated: 2024-05-11. Review status: criteria provided, single submitter. Criteria: Ambry Variant Classification Scheme 2023. Collection method: clinical testing. Allele origin: germline.
Comment: The p.S1028G variant (also known as c.3082A>G), located in coding exon 27 of the ANK2 gene, results from an A to G substitution at nucleotide position 3082. The serine at codon 1028 is replaced by glycine, an amino acid with similar properties. This amino acid position is well conserved in available vertebrate species. In addition, the in silico prediction for this alteration is inconclusive. Since supporting evidence is limited at this time, the clinical significance of this alteration remains unclear.

GeneDx
Classification: Uncertain significance. Last evaluated: 2014-08-25. Review status: criteria provided, single submitter. Criteria: GeneDx Variant Classification (06012015). Collection method: clinical testing. Allele origin: germline. Affected: yes.
Comment: p.Ser1028Gly (AGT>GGT): c.3082 A>G in exon 27 of the ANK2 gene (NM_001148.4). The S1028G variant has not been published as a mutation, nor has it been reported as a benign polymorphism to our knowledge. The S1028G variant was not observed in approximately 6,500 individuals of European and African American ancestry in the NHLBI Exome Sequencing Project, indicating it is not a common benign variant in these populations. The S1028G variant is a non-conservative amino acid substitution, which is likely to impact secondary protein structure as these residues differ in polarity, charge, size and/or other properties. This substitution also occurs at a position that is conserved among mammals. However, in silico analysis is inconsistent in its predictions as to whether or not the variant is damaging to the protein structure/function. Furthermore, missense mutations in nearby residues have not been reported, indicating this region of the protein may be tolerant of change. Therefore, based on the currently available information, it is unclear whether this variant is a pathogenic mutation or a rare benign variant. The variant is found in LQT panel(s).